The following is an entry in ClinVar:

NM_000286.3(PEX12):c.55T>C (p.Ser19Pro)

Gene: PEX12 (peroxisomal biogenesis factor 12; minus strand). Cytogenetic location: 17q12.
Variant type: single nucleotide variant.
Coding change: c.55T>C on transcript NM_000286.3 (MANE Select); coding-DNA position 55, T replaced by C.
Protein change: p.Ser19Pro; replaces serine 19 with proline.
Molecular consequence: missense variant.
Genome position (GRCh38, 1-based): chr17:35,577,967, A>G on the plus strand (T>C on the coding strand, the complement: PEX12 is on the minus strand). VCF-style: chr17-35577967-A-G. GRCh37 (hg19) VCF-style: chr17-33904986-A-G.
Other names: short protein forms S19P.
Identifiers: ClinVar variation 1389585 (VCV001389585.3), dbSNP rs756812775, ClinGen allele CA8504993.

ClinVar aggregate classification (germline): Uncertain significance (1 of 4 stars; one submission).

Conditions:
Peroxisome biogenesis disorder 3A (Zellweger). Also called: PEROXISOMAL BIOGENESIS DISORDER 3A (ZELLWEGER); Peroxisome biogenesis disorder 3A. Identifiers: Orphanet 912, MedGen C3553929, MONDO:0013927, OMIM 614859.

Allele frequency attached by ClinVar (database versions not stated): gnomAD exomes below 0.00001 and 0.00001; ExAC 0.00001; gnomAD 0.00001 and 0.00002.
gnomAD v4.1: 11 of 1,614,044 alleles (0.00068%); highest among the groups gnomAD compares: East Asian, 0.0067%; no homozygotes.

Submission:

Labcorp Genetics (formerly Invitae), Labcorp
Classification: Uncertain significance for Peroxisome biogenesis disorder 3A (Zellweger). Last evaluated: 2022-04-08. Review status: criteria provided, single submitter. Criteria: Invitae Variant Classification Sherloc (09022015). Collection method: clinical testing. Allele origin: germline.
Comment: This sequence change replaces serine, which is neutral and polar, with proline, which is neutral and non-polar, at codon 19 of the PEX12 protein (p.Ser19Pro). This variant is present in population databases (rs756812775, gnomAD 0.006%). This variant has not been reported in the literature in individuals affected with PEX12-related conditions. Algorithms developed to predict the effect of missense changes on protein structure and function are either unavailable or do not agree on the potential impact of this missense change (SIFT: "Deleterious"; PolyPhen-2: "Possibly Damaging"; Align-GVGD: "Class C0"). In summary, the available evidence is currently insufficient to determine the role of this variant in disease. Therefore, it has been classified as a Variant of Uncertain Significance.